The following is an entry in ClinVar:

ClinVar aggregate classification (germline): Pathogenic (1 of 4 stars; one submission).

Conditions:
Pyruvate carboxylase deficiency. Also called: Pyruvate Carboxylase Deficiency Disease; ATAXIA WITH LACTIC ACIDOSIS II; LEIGH NECROTIZING ENCEPHALOPATHY DUE TO PYRUVATE CARBOXYLASE DEFICIENCY; LEIGH SYNDROME DUE TO PYRUVATE CARBOXYLASE DEFICIENCY; PC DEFICIENCY. Identifiers: Orphanet 3008, MedGen C0034341, MONDO:0009949, OMIM 266150.

Submission:

Labcorp Genetics (formerly Invitae), Labcorp
Classification: Pathogenic for Pyruvate carboxylase deficiency. Last evaluated: 2024-01-20. Review status: criteria provided, single submitter. Criteria: Invitae Variant Classification Sherloc (09022015). Collection method: clinical testing. Allele origin: germline.
Comment: This sequence change creates a premature translational stop signal (p.Ser122Leufs*83) in the PC gene. It is expected to result in an absent or disrupted protein product. Loss-of-function variants in PC are known to be pathogenic (PMID: 12112657, 19306334). This variant is not present in population databases (gnomAD no frequency). This variant has not been reported in the literature in individuals affected with PC-related conditions. For these reasons, this variant has been classified as Pathogenic.

Literature cited by the submitters: PubMed 12112657; PubMed 19306334.

NM_001040716.2(PC):c.364del (p.Ser122fs)

Gene: PC (pyruvate carboxylase; minus strand). Cytogenetic location: 11q13.2.
Variant type: Deletion.
Coding change: c.364del on transcript NM_001040716.2 (MANE Select); coding-DNA position 364, one base deleted (T; older notation c.364delT).
Protein change: p.Ser122fs; shifts the reading frame from serine 122.
Molecular consequence: frameshift variant.
Genome position (GRCh38, 1-based): chr11:66,871,438, A deleted on the plus strand (T on the coding strand, the reverse complement: PC is on the minus strand). VCF-style (leftmost placement, unchanged base first): chr11-66871437-GA-G. GRCh37 (hg19) VCF-style: chr11-66638908-GA-G.
Other names: c.364del, p.Ser122fs (NM_000920.4, NM_022172.3); short protein forms S122fs.
Identifiers: ClinVar variation 2699475 (VCV002699475.3), dbSNP rs2495790186, ClinGen allele CA2697548759.